The following is an entry in ClinVar:

ClinVar aggregate classification (germline): Pathogenic/Likely pathogenic. Review status: criteria provided, multiple submitters, no conflicts (2 of 4 stars). 3 submissions from 3 submitters: Pathogenic (1); Likely pathogenic (2). Last evaluated 2024-06-21.

Conditions:
Pendred syndrome (PDS). Also called: Pendred's syndrome; Pendred Syndrome (PDS); THYROID DYSHORMONOGENESIS 2B; THYROID HORMONOGENESIS, GENETIC DEFECT IN, 2B; DEAFNESS WITH GOITER; GOITER-DEAFNESS SYNDROME. Identifiers: Orphanet 705, MedGen C0271829, MONDO:0010134, OMIM 274600.
Autosomal recessive nonsyndromic hearing loss 4 (DFNB4). Also called: Enlarged vestibular aqueduct, digenic; FOXI1-Related Pendred Syndrome; KCNJ10-Related Pendred Syndrome; DEAFNESS, AUTOSOMAL RECESSIVE 4, WITH ENLARGED VESTIBULAR AQUEDUCT, DIGENIC; Deafness, autosomal recessive 4, with enlarged vestibular aqueduct; Deafness, autosomal recessive 4. Identifiers: Orphanet 90636, MedGen C3538946, MONDO:0010933, OMIM 600791.

Submissions (3):

Natera, Inc.
Classification: Likely pathogenic for Pendred syndrome. Last evaluated: 2024-06-21. Review status: criteria provided, single submitter. Criteria: Natera Variant Classification Schema (03/2026). Collection method: clinical testing. Allele origin: germline.
Comment: The c.130delAinsTTG variant in SLC26A4 is a frameshift variant predicted to shift the reading frame beginning at codon 44 and leads to a stop codon 23 codons downstream. This variant is expected to result in nonsense mediated decay, truncation, or a dysfunctional protein product. This variant is rare in the general population with a frequency below the threshold expected for the associated phenotype(s). Given the available evidence, this variant is classified as Likely Pathogenic.

Baylor Genetics
Classification: Likely pathogenic for Autosomal recessive nonsyndromic hearing loss 4. Last evaluated: 2023-02-06. Review status: criteria provided, single submitter. Criteria: ACMG Guidelines, 2015. Collection method: clinical testing. Allele origin: unknown.

Labcorp Genetics (formerly Invitae), Labcorp
Classification: Pathogenic. Last evaluated: 2022-03-24. Review status: criteria provided, single submitter. Criteria: Invitae Variant Classification Sherloc (09022015). Collection method: clinical testing. Allele origin: germline.
Comment: This sequence change creates a premature translational stop signal (p.Lys44Leufs*23) in the SLC26A4 gene. It is expected to result in an absent or disrupted protein product. Loss-of-function variants in SLC26A4 are known to be pathogenic (PMID: 16283880, 25394566, 26252218, 26445815). For these reasons, this variant has been classified as Pathogenic. This variant has not been reported in the literature in individuals affected with SLC26A4-related conditions. This variant is not present in population databases (gnomAD no frequency).

Literature cited by the submitters: PubMed 16283880 (cited by Labcorp Genetics (formerly Invitae), Labcorp); PubMed 25394566 (cited by Labcorp Genetics (formerly Invitae), Labcorp); PubMed 26252218 (cited by Labcorp Genetics (formerly Invitae), Labcorp); PubMed 26445815 (cited by Labcorp Genetics (formerly Invitae), Labcorp).

NM_000441.2(SLC26A4):c.130delinsTTG (p.Lys44fs)

Genes: SLC26A4-AS1 (SLC26A4 antisense RNA 1; minus strand), SLC26A4 (solute carrier family 26 member 4; plus strand). Cytogenetic location: 7q22.3.
Variant type: Indel.
Coding change: c.130delinsTTG on transcript NM_000441.2 (MANE Select); coding-DNA position 130, A replaced by TTG.
Protein change: p.Lys44fs; shifts the reading frame from lysine 44.
Molecular consequence: frameshift variant. On other transcripts: non-coding transcript variant (1).
Genome position (GRCh38, 1-based): chr7:107,661,771, A replaced by TTG. VCF-style: chr7-107661771-A-TTG. GRCh37 (hg19) VCF-style: chr7-107302216-A-TTG.
Other names: c.130delAinsTTG (NM_000441.1); short protein forms K44fs.
Identifiers: ClinVar variation 644957 (VCV000644957.7), dbSNP rs1584292992, ClinGen allele CA915945407.